The following is an entry in ClinVar:

ClinVar aggregate classification (germline): Likely benign. Review status: criteria provided, multiple submitters, no conflicts (2 of 4 stars). 2 submissions from 2 submitters: Likely benign (2). Last evaluated 2026-01-13.

Conditions:
Familial Mediterranean fever (FMF). Also called: Periodic peritonitis; POLYSEROSITIS, FAMILIAL PAROXYSMAL; POLYSEROSITIS, RECURRENT; Benign paroxysmal peritonitis. Identifiers: Orphanet 342, MedGen C0031069, MONDO:0018088, OMIM 249100. Disease mechanism: gain of function.

Allele frequency attached by ClinVar (database versions not stated): gnomAD exomes 0.00001; ExAC 0.00002; gnomAD 0.00002; 1000 Genomes Project 30x 0.00016; TOPMed 0.00002; 1000 Genomes Project 0.00020.
gnomAD v4.1: 22 of 1,614,086 alleles (0.0014%); highest among the groups gnomAD compares: East Asian, 0.045%; no homozygotes.

Submissions (2):

Labcorp Genetics (formerly Invitae), Labcorp
Classification: Likely benign for Familial Mediterranean fever. Last evaluated: 2026-01-13. Review status: criteria provided, single submitter. Criteria: Invitae Variant Classification Sherloc (09022015). Collection method: clinical testing. Allele origin: germline.

Women's Health and Genetics/Laboratory Corporation of America, LabCorp
Classification: Likely benign. Last evaluated: 2024-05-20. Review status: criteria provided, single submitter. Criteria: LabCorp Variant Classification Summary - May 2015. Collection method: clinical testing. Allele origin: germline.
Comment: Variant summary: MEFV c.1610+11G>A alters a non-conserved nucleotide located at a position not widely known to affect splicing. Consensus agreement among computation tools predict no significant impact on normal splicing. However, these predictions have yet to be confirmed by functional studies. The variant allele was found at a frequency of 3.2e-05 in 251404 control chromosomes. The available data on variant occurrences in the general population are insufficient to allow any conclusion about variant significance. To our knowledge, no occurrence of c.1610+11G>A in individuals affected with Familial Mediterranean Fever and no experimental evidence demonstrating its impact on protein function have been reported. ClinVar contains an entry for this variant (Variation ID: 2742593). Based on the evidence outlined above, the variant was classified as likely benign.

NM_000243.3(MEFV):c.1610+11G>A

Gene: MEFV (MEFV innate immunity regulator, pyrin; minus strand). Cytogenetic location: 16p13.3.
Variant type: single nucleotide variant.
Coding change: c.1610+11G>A on transcript NM_000243.3 (MANE Select); 11 bases into the intron after coding-DNA position 1610, G replaced by A.
Molecular consequence: intron variant.
Genome position (GRCh38, 1-based): chr16:3,246,514, C>T on the plus strand (G>A on the coding strand, the complement: MEFV is on the minus strand). VCF-style: chr16-3246514-C-T. GRCh37 (hg19) VCF-style: chr16-3296514-C-T.
Other names: c.977+11G>A (NM_001198536.2).
Identifiers: ClinVar variation 2742593 (VCV002742593.4), dbSNP rs140183892, ClinGen allele CA7860069.